The following is an entry in ClinVar:

NM_004415.4(DSP):c.2704C>T (p.Leu902Phe)

Gene: DSP (desmoplakin; plus strand). Cytogenetic location: 6p24.3.
Variant type: single nucleotide variant.
Coding change: c.2704C>T on transcript NM_004415.4 (MANE Select); coding-DNA position 2704, C replaced by T.
Protein change: p.Leu902Phe; replaces leucine 902 with phenylalanine.
Molecular consequence: missense variant.
Genome position (GRCh38, 1-based): chr6:7,576,367, C>T. VCF-style: chr6-7576367-C-T. GRCh37 (hg19) VCF-style: chr6-7576600-C-T.
Other names: c.2704C>T, p.Leu902Phe (NM_001008844.3, NM_001319034.2); short protein forms L902F.
Identifiers: ClinVar variation 1434315 (VCV001434315.7), dbSNP rs1443682154, ClinGen allele CA362681948.
Genomic context (GRCh38, chr6:7,576,367, plus strand): 5'-GAGAAACAAATCAAGCAATTGAGGAATTATCGTGATAACTATCAGGCTTTCTGCAAGTGG[C>T]TCTATGATGCTAAACGCCGCCAGGATTCCTTAGAATCCATGAAATTTGGAGATTCCAACA-3'
Protein context (NP_004406.2, residues 892-912): RDNYQAFCKW[Leu902Phe]YDAKRRQDSL

ClinVar aggregate classification (germline): Uncertain significance. Review status: criteria provided, multiple submitters, no conflicts (2 of 4 stars). 2 submissions from 2 submitters: Uncertain significance (2). Last evaluated 2021-08-27.

Conditions:
Arrhythmogenic right ventricular dysplasia 8 (ARVD8). Also called: ARRHYTHMOGENIC RIGHT VENTRICULAR DYSPLASIA, FAMILIAL, 8; ARRHYTHMOGENIC RIGHT VENTRICULAR CARDIOMYOPATHY 8; Arrhythmogenic Right Ventricular Dysplasia/Cardiomyopathy 8. Identifiers: MedGen C1843896, MONDO:0011831, OMIM 607450.
Arrhythmogenic cardiomyopathy with wooly hair and keratoderma. Also called: Arrhythmogenic cardiomyopathy with woolly hair and keratoderma; PALMOPLANTAR KERATODERMA WITH LEFT VENTRICULAR CARDIOMYOPATHY AND WOOLLY HAIR; Carvajal syndrome; Dilated cardiomyopathy with woolly hair and keratoderma. Identifiers: Orphanet 65282, MedGen C1854063, MONDO:0011581, OMIM 605676.
Cardiovascular phenotype. Identifiers: MedGen CN230736.

Submissions (2):

Labcorp Genetics (formerly Invitae), Labcorp
Classification: Uncertain significance for Arrhythmogenic cardiomyopathy with wooly hair and keratoderma; Arrhythmogenic right ventricular dysplasia 8. Last evaluated: 2021-08-27. Review status: criteria provided, single submitter. Criteria: Invitae Variant Classification Sherloc (09022015). Collection method: clinical testing. Allele origin: germline.
Comment: This sequence change replaces leucine with phenylalanine at codon 902 of the DSP protein (p.Leu902Phe). The leucine residue is weakly conserved and there is a small physicochemical difference between leucine and phenylalanine. This variant is not present in population databases (ExAC no frequency). This variant has not been reported in the literature in individuals affected with DSP-related conditions. Algorithms developed to predict the effect of missense changes on protein structure and function are either unavailable or do not agree on the potential impact of this missense change (SIFT: "Deleterious"; PolyPhen-2: "Benign"; Align-GVGD: "Class C0"). In summary, the available evidence is currently insufficient to determine the role of this variant in disease. Therefore, it has been classified as a Variant of Uncertain Significance.

Ambry Genetics
Classification: Uncertain significance for Cardiovascular phenotype. Last evaluated: 2021-08-14. Review status: criteria provided, single submitter. Criteria: Ambry Variant Classification Scheme 2023. Collection method: clinical testing. Allele origin: germline.
Comment: The p.L902F variant (also known as c.2704C>T), located in coding exon 19 of the DSP gene, results from a C to T substitution at nucleotide position 2704. The leucine at codon 902 is replaced by phenylalanine, an amino acid with highly similar properties. This amino acid position is conserved. In addition, this alteration is predicted to be tolerated by in silico analysis. Since supporting evidence is limited at this time, the clinical significance of this alteration remains unclear.